The following is an entry in ClinVar:

NM_012079.6(DGAT1):c.1245C>T (p.His415=)

Gene: DGAT1 (diacylglycerol O-acyltransferase 1; minus strand). Cytogenetic location: 8q24.3.
Variant type: single nucleotide variant.
Coding change: c.1245C>T on transcript NM_012079.6 (MANE Select); coding-DNA position 1245, C replaced by T.
Protein change: p.His415=; no amino-acid change (histidine 415 retained).
Molecular consequence: synonymous variant.
Genome position (GRCh38, 1-based): chr8:144,317,025, G>A on the plus strand (C>T on the coding strand, the complement: DGAT1 is on the minus strand). VCF-style: chr8-144317025-G-A. GRCh37 (hg19) VCF-style: chr8-145540688-G-A.
Other names: c.1245C>T (NM_012079.5).
Identifiers: ClinVar variation 1577748 (VCV001577748.9), dbSNP rs142347230, ClinGen allele CA4936612.

ClinVar aggregate classification (germline): Likely benign. Review status: criteria provided, single submitter (1 of 4 stars). 2 submissions from 2 submitters: Likely benign (1). 1 of the submissions does not count toward it. Last evaluated 2026-01-05.

Conditions:
DGAT1-related disorder. Also called: DGAT1-related condition.

Allele frequency attached by ClinVar (database versions not stated): gnomAD exomes 0.00002 and 0.00004; ExAC 0.00006; gnomAD 0.00011 and 0.00013; TOPMed 0.00012; ESP Exome Variant Server 0.00015.
gnomAD v4.1: 47 of 1,612,200 alleles (0.0029%); highest among the groups gnomAD compares: African/African-American, 0.037%; no homozygotes.

Submissions (2):

Labcorp Genetics (formerly Invitae), Labcorp
Classification: Likely benign. Last evaluated: 2026-01-05. Review status: criteria provided, single submitter. Criteria: Invitae Variant Classification Sherloc (09022015). Collection method: clinical testing. Allele origin: germline.

PreventionGenetics, part of Exact Sciences
Classification: Likely benign for DGAT1-related condition. Last evaluated: 2024-08-26. Review status: no assertion criteria provided. Collection method: clinical testing. Allele origin: germline. Not counted in ClinVar's aggregate classification.
Comment: This variant is classified as likely benign based on ACMG/AMP sequence variant interpretation guidelines (Richards et al. 2015 PMID: 25741868, with internal and published modifications).